The following is an entry in ClinVar:

NM_001846.4(COL4A2):c.1879G>A (p.Gly627Ser)

Gene: COL4A2 (collagen type IV alpha 2 chain; plus strand). Cytogenetic location: 13q34.
Variant type: single nucleotide variant.
Coding change: c.1879G>A on transcript NM_001846.4 (MANE Select); coding-DNA position 1879, G replaced by A.
Protein change: p.Gly627Ser; replaces glycine 627 with serine.
Molecular consequence: missense variant.
Genome position (GRCh38, 1-based): chr13:110,465,507, G>A. VCF-style: chr13-110465507-G-A. GRCh37 (hg19) VCF-style: chr13-111117854-G-A.
Other names: c.1879G>A (NM_001846.2); short protein forms G627S.
Identifiers: ClinVar variation 1525713 (VCV001525713.9), dbSNP rs771559117, ClinGen allele CA7049737.

ClinVar aggregate classification (germline): Conflicting classifications of pathogenicity. Review status: criteria provided, conflicting classifications (1 of 4 stars). 2 submissions from 2 submitters: Uncertain significance (1); Likely benign (1). Last evaluated 2025-10-28.

Conditions:
Inborn genetic diseases. Identifiers: MedGen C0950123, MeSH D030342.

Allele frequency attached by ClinVar (database versions not stated): gnomAD 0.00001 and 0.00002; gnomAD exomes 0.00001 and 0.00004; TOPMed 0.00002; ExAC 0.00003.
gnomAD v4.1: 23 of 1,613,868 alleles (0.0014%); highest among the groups gnomAD compares: Admixed American, 0.013%; no homozygotes.

Submissions (2):

Labcorp Genetics (formerly Invitae), Labcorp
Classification: Uncertain significance. Last evaluated: 2025-10-28. Review status: criteria provided, single submitter. Criteria: Invitae Variant Classification Sherloc (09022015). Collection method: clinical testing. Allele origin: germline.
Comment: This sequence change replaces glycine, which is neutral and non-polar, with serine, which is neutral and polar, at codon 627 of the COL4A2 protein (p.Gly627Ser). This variant is present in population databases (rs771559117, gnomAD 0.009%). This variant has not been reported in the literature in individuals affected with COL4A2-related conditions. ClinVar contains an entry for this variant (Variation ID: 1525713). Invitae Evidence Modeling of protein sequence and biophysical properties (such as structural, functional, and spatial information, amino acid conservation, physicochemical variation, residue mobility, and thermodynamic stability) indicates that this missense variant is not expected to disrupt COL4A2 protein function with a negative predictive value of 95%. In summary, the available evidence is currently insufficient to determine the role of this variant in disease. Therefore, it has been classified as a Variant of Uncertain Significance.

Ambry Genetics
Classification: Likely benign for Inborn genetic diseases. Last evaluated: 2022-07-20. Review status: criteria provided, single submitter. Criteria: Ambry Variant Classification Scheme 2023. Collection method: clinical testing. Allele origin: germline.